The following is an entry in ClinVar:

ClinVar aggregate classification (germline): Uncertain significance (1 of 4 stars; one submission).

Allele frequency attached by ClinVar (database versions not stated): TOPMed below 0.00001; gnomAD exomes 0.00001; ExAC 0.00002; 1000 Genomes Project 30x 0.00016; 1000 Genomes Project 0.00020.
gnomAD v4.1: 13 of 1,613,986 alleles (0.00081%); highest among the groups gnomAD compares: Admixed American, 0.01%; no homozygotes.

Submission:

Labcorp Genetics (formerly Invitae), Labcorp
Classification: Uncertain significance. Last evaluated: 2022-05-16. Review status: criteria provided, single submitter. Criteria: Invitae Variant Classification Sherloc (09022015). Collection method: clinical testing. Allele origin: germline.
Comment: In summary, the available evidence is currently insufficient to determine the role of this variant in disease. Therefore, it has been classified as a Variant of Uncertain Significance. Algorithms developed to predict the effect of missense changes on protein structure and function (SIFT, PolyPhen-2, Align-GVGD) all suggest that this variant is likely to be disruptive. This variant has not been reported in the literature in individuals affected with EPHA4-related conditions. This variant is present in population databases (rs199606862, gnomAD 0.01%). This sequence change replaces arginine, which is basic and polar, with glutamine, which is neutral and polar, at codon 789 of the EPHA4 protein (p.Arg789Gln).

NM_004438.5(EPHA4):c.2366G>A (p.Arg789Gln)

Gene: EPHA4 (EPH receptor A4; minus strand). Cytogenetic location: 2q36.1.
Variant type: single nucleotide variant.
Coding change: c.2366G>A on transcript NM_004438.5 (MANE Select); coding-DNA position 2366, G replaced by A.
Protein change: p.Arg789Gln; replaces arginine 789 with glutamine.
Molecular consequence: missense variant.
Genome position (GRCh38, 1-based): chr2:221,434,272, C>T on the plus strand (G>A on the coding strand, the complement: EPHA4 is on the minus strand). VCF-style: chr2-221434272-C-T. GRCh37 (hg19) VCF-style: chr2-222298992-C-T.
Other names: c.2366G>A, p.Arg789Gln (NM_001304536.2, NM_001363748.2); c.2213G>A, p.Arg738Gln (NM_001304537.2); short protein forms R789Q, R738Q.
Identifiers: ClinVar variation 1920116 (VCV001920116.5), dbSNP rs199606862, ClinGen allele CA2134784.